The following is an entry in ClinVar:

ClinVar aggregate classification (germline): Pathogenic/Likely pathogenic. Review status: criteria provided, multiple submitters, no conflicts (2 of 4 stars). 6 submissions from 6 submitters: Pathogenic (5); Likely pathogenic (1). Last evaluated 2025-03-28.

Conditions:
Neurofibromatosis, type 1 (NF1). Also called: VON RECKLINGHAUSEN DISEASE; Peripheral type neurofibromatosis; Neurofibromatosis, type I; NEUROFIBROMATOSIS, TYPE I, SOMATIC. Identifiers: Orphanet 636, MedGen C0027831, MONDO:0018975, OMIM 162200. Disease mechanism: loss of function.
NF1-related disorder. Also called: NF1-related condition. Identifiers: MedGen CN379171.
Hereditary cancer-predisposing syndrome. Also called: Neoplastic Syndromes, Hereditary; Tumor predisposition; Hereditary Cancer Syndrome; Hereditary neoplastic syndrome. Identifiers: Orphanet 140162, MedGen C0027672, MeSH D009386, MONDO:0015356.
Cardiovascular phenotype. Identifiers: MedGen CN230736.

Submissions (6):

Ambry Genetics
Classification: Pathogenic for Cardiovascular phenotype; Hereditary cancer-predisposing syndrome. Last evaluated: 2025-03-28. Review status: criteria provided, single submitter. Criteria: Ambry Variant Classification Scheme 2023. Collection method: clinical testing. Allele origin: germline.
Comment: The c.5294C>A variant (also known as p.S1765*), located in coding exon 37 of the NF1 gene, results from a C to A substitution at nucleotide position 5294. This changes the amino acid from a serine to a stop codon within coding exon 37. Nonsense/frameshift variants are typically expected to result in loss of function by premature protein truncation or nonsense-mediated mRNA decay. However, in silico splice site analysis predicts that this alteration will result in the creation or strengthening of a novel splice acceptor site. RNA studies have demonstrated that this alteration results in partial exon skipping splicing (Messiaen LM et al. Hum Mutat, 2000;15:541-55; Ambry internal data). This variant was reported in individual(s) with features consistent with neurofibromatosis type 1 (Ambry internal data). This variant is considered to be rare based on population cohorts in the Genome Aggregation Database (gnomAD). Based on the supporting evidence, this variant is interpreted as a disease-causing mutation.

Blueprint Genetics
Classification: Pathogenic for NF1-related disorders. Last evaluated: 2023-12-04. Review status: criteria provided, single submitter. Criteria: ACMG Guidelines, 2015. Collection method: clinical testing. Allele origin: germline. Affected: yes. Observed: 1 variant allele.

Labcorp Genetics (formerly Invitae), Labcorp
Classification: Pathogenic for Neurofibromatosis, type 1. Last evaluated: 2022-03-20. Review status: criteria provided, single submitter. Criteria: Invitae Variant Classification Sherloc (09022015). Collection method: clinical testing. Allele origin: germline.
Comment: This variant is not present in population databases (gnomAD no frequency). This sequence change creates a premature translational stop signal (p.Ser1765*) in the NF1 gene. It is expected to result in an absent or disrupted protein product. Loss-of-function variants in NF1 are known to be pathogenic (PMID: 10712197, 23913538). This premature translational stop signal has been observed in individual(s) with clinical features of neurofibromatosis type 1 (PMID: 10862084). For these reasons, this variant has been classified as Pathogenic. Algorithms developed to predict the effect of sequence changes on RNA splicing suggest that this variant may disrupt the consensus splice site. ClinVar contains an entry for this variant (Variation ID: 547660).

Genome-Nilou Lab
Classification: Pathogenic for Neurofibromatosis, type 1. Last evaluated: 2022-03-15. Review status: criteria provided, single submitter. Criteria: ACMG Guidelines, 2015. Collection method: clinical testing. Allele origin: germline. Affected: no.

Genome Diagnostics Laboratory, The Hospital for Sick Children
Classification: Pathogenic for Neurofibromatosis, type 1. Last evaluated: 2020-10-26. Review status: criteria provided, single submitter. Criteria: ACMG Guidelines, 2015. Collection method: clinical testing. Allele origin: germline. Affected: yes.

Center for Human Genetics, Inc
Classification: Likely pathogenic for Neurofibromatosis, type 1. Last evaluated: 2016-11-01. Review status: criteria provided, single submitter. Criteria: ACMG Guidelines, 2015. Collection method: clinical testing. Allele origin: germline. Affected: yes.

Literature cited by the submitters: PubMed 10862084 (cited by Ambry Genetics and Labcorp Genetics (formerly Invitae), Labcorp); PubMed 10712197 (cited by Labcorp Genetics (formerly Invitae), Labcorp); PubMed 23913538 (cited by Labcorp Genetics (formerly Invitae), Labcorp).

NM_001042492.3(NF1):c.5357C>A (p.Ser1786Ter)

Gene: NF1 (neurofibromin 1; plus strand). Cytogenetic location: 17q11.2.
Variant type: single nucleotide variant.
Coding change: c.5357C>A on transcript NM_001042492.3 (MANE Select); coding-DNA position 5357, C replaced by A.
Protein change: p.Ser1786Ter; replaces serine 1786 with a stop codon.
Molecular consequence: nonsense.
Genome position (GRCh38, 1-based): chr17:31,327,587, C>A. VCF-style: chr17-31327587-C-A. GRCh37 (hg19) VCF-style: chr17-29654605-C-A.
Other names: c.5294C>A, p.Ser1765Ter (NM_000267.4); short protein forms S1765*, S1786*.
Identifiers: ClinVar variation 547660 (VCV000547660.12), dbSNP rs1555533569, ClinGen allele CA399009254.